The following is an entry in ClinVar:

ClinVar aggregate classification (germline): Uncertain significance (1 of 4 stars; one submission).

Conditions:
MYPN-related disorder. Also called: MYPN-related condition.

Submission:

PreventionGenetics, part of Exact Sciences
Classification: Uncertain significance for MYPN-related condition. Last evaluated: 2023-06-02. Review status: criteria provided, single submitter. Criteria: ACMG Guidelines, 2015. Collection method: clinical testing. Allele origin: germline.
Comment: The MYPN c.2612T>A variant is predicted to result in the amino acid substitution p.Val871Glu. To our knowledge, this variant has not been reported in the literature or in a large population database, indicating this variant is rare. At this time, the clinical significance of this variant is uncertain due to the absence of conclusive functional and genetic evidence.

NM_032578.4(MYPN):c.2612T>A (p.Val871Glu)

Gene: MYPN (myopalladin; plus strand). Cytogenetic location: 10q21.3.
Variant type: single nucleotide variant.
Coding change: c.2612T>A on transcript NM_032578.4 (MANE Select); coding-DNA position 2612, T replaced by A.
Protein change: p.Val871Glu; replaces valine 871 with glutamic acid.
Molecular consequence: missense variant. On other transcripts: non-coding transcript variant (1).
Genome position (GRCh38, 1-based): chr10:68,175,370, T>A. VCF-style: chr10-68175370-T-A. GRCh37 (hg19) VCF-style: chr10-69935127-T-A.
Other names: c.2612T>A, p.Val871Glu (NM_001256267.2); c.1730T>A, p.Val577Glu (NM_001256268.2); short protein forms V577E, V871E.
Identifiers: ClinVar variation 2633366 (VCV002633366.1), dbSNP rs2495804806, ClinGen allele CA376848882.
Genomic context (GRCh38, chr10:68,175,370, plus strand): 5'-ATTTATCTTACAGGCCATCCCAGGGATTAGCGAAGAAAAATACAAAGTCTCCTCAACCAG[T>A]GAATGATGATAACATTCGTGAAACTAAGAACGCAGTGATTCGAGACTTGGGGAAAAAAAT-3'
Protein context (NP_115967.2, residues 861-881): AKKNTKSPQP[Val871Glu]NDDNIRETKN